The following is an entry in ClinVar:

ClinVar aggregate classification (germline): Benign/Likely benign. Review status: criteria provided, multiple submitters, no conflicts (2 of 4 stars). 7 submissions from 7 submitters: Benign (4); Likely benign (3). Last evaluated 2026-01-23.

Conditions:
Combined immunodeficiency due to LRBA deficiency. Also called: Common variable immunodeficiency 8, with autoimmunity. Identifiers: Orphanet 445018, MedGen C3553512, MONDO:0013863, OMIM 614700.

Allele frequency attached by ClinVar (database versions not stated): gnomAD exomes 0.00040 and 0.00119; ExAC 0.00152; gnomAD 0.00433 and 0.00462; 1000 Genomes Project 30x 0.00437; 1000 Genomes Project 0.00439; TOPMed 0.00480; ESP Exome Variant Server 0.00584.
gnomAD v4.1: 1,240 of 1,592,874 alleles (0.078%); highest among the groups gnomAD compares: African/African-American, 1.5%; 5 homozygotes.

Submissions (7):

Women's Health and Genetics/Laboratory Corporation of America, LabCorp
Classification: Benign. Last evaluated: 2026-01-23. Review status: criteria provided, single submitter. Criteria: LabCorp Variant Classification Summary - May 2015. Collection method: clinical testing. Allele origin: germline.

Labcorp Genetics (formerly Invitae), Labcorp
Classification: Benign for Combined immunodeficiency due to LRBA deficiency. Last evaluated: 2026-01-02. Review status: criteria provided, single submitter. Criteria: Invitae Variant Classification Sherloc (09022015). Collection method: clinical testing. Allele origin: germline.

Mayo Clinic Laboratories, Mayo Clinic
Classification: Benign. Last evaluated: 2024-11-18. Review status: criteria provided, single submitter. Criteria: ACMG Guidelines, 2015. Collection method: clinical testing. Allele origin: germline. Observed: 4 variant alleles.
Comment: BS1, BS2

Blueprint Genetics
Classification: Likely benign. Last evaluated: 2024-10-23. Review status: criteria provided, single submitter. Criteria: ACMG Guidelines, 2015. Collection method: clinical testing. Allele origin: germline.

Genetic Services Laboratory, University of Chicago
Classification: Benign. Last evaluated: 2020-09-08. Review status: criteria provided, single submitter. Criteria: ACMG Guidelines, 2015. Collection method: clinical testing. Allele origin: germline. Affected: no.

ARUP Laboratories, Molecular Genetics and Genomics, ARUP Laboratories
Classification: Likely benign. Last evaluated: 2017-02-08. Review status: criteria provided, single submitter. Criteria: ARUP Molecular Germline Variant Investigation Process. Collection method: clinical testing. Allele origin: germline.

Breakthrough Genomics
Classification: Likely benign. Review status: criteria provided, single submitter. Criteria: ACMG Guidelines, 2015. Collection method: not provided. Allele origin: germline. Inheritance: Autosomal recessive inheritance. Affected: yes.

NM_001364905.1(LRBA):c.3826-5A>G

Gene: LRBA (LPS responsive beige-like anchor protein; minus strand). Cytogenetic location: 4q31.3.
Variant type: single nucleotide variant.
Coding change: c.3826-5A>G on transcript NM_001364905.1 (MANE Select); 5 bases into the intron before coding-DNA position 3826, A replaced by G.
Molecular consequence: intron variant.
Genome position (GRCh38, 1-based): chr4:150,850,907, T>C on the plus strand (A>G on the coding strand, the complement: LRBA is on the minus strand). VCF-style: chr4-150850907-T-C. GRCh37 (hg19) VCF-style: chr4-151772059-T-C.
Other names: p.?; c.3826-5A>G (NM_001367550.1, NM_006726.5, NM_001199282.3 and 2 more transcripts).
Identifiers: ClinVar variation 439870 (VCV000439870.25), dbSNP rs114629781, ClinGen allele CA3102969.